The following is an entry in ClinVar:

NM_139057.4(ADAMTS17):c.*2560T>C

Gene: ADAMTS17 (ADAM metallopeptidase with thrombospondin type 1 motif 17; minus strand). Cytogenetic location: 15q26.3.
Variant type: single nucleotide variant.
Coding change: c.*2560T>C on transcript NM_139057.4 (MANE Select); 2560 bases downstream of the stop codon, T replaced by C.
Molecular consequence: 3 prime UTR variant.
Genome position (GRCh38, 1-based): chr15:99,971,842, A>G on the plus strand (T>C on the coding strand, the complement: ADAMTS17 is on the minus strand). VCF-style: chr15-99971842-A-G. GRCh37 (hg19) VCF-style: chr15-100512047-A-G.
Identifiers: ClinVar variation 315136 (VCV000315136.6), dbSNP rs10468183, ClinGen allele CA10647618.

ClinVar aggregate classification (germline): Benign. Review status: criteria provided, multiple submitters, no conflicts (2 of 4 stars). 2 submissions from 2 submitters: Benign (2). Last evaluated 2018-01-12.

Conditions:
Weill-Marchesani 4 syndrome, recessive. Also called: Weill-Marchesani syndrome 4. Identifiers: Orphanet 363992, MedGen C2750787, MONDO:0013176, OMIM 613195.

Allele frequency attached by ClinVar (database versions not stated): 1000 Genomes Project 30x 0.33151; 1000 Genomes Project 0.33566; TOPMed 0.36299; gnomAD 0.37771 and 0.37848; gnomAD exomes 0.61111.
gnomAD v4.1: 57,826 of 152,218 alleles (38%); highest among the groups gnomAD compares: Non-Finnish European, 48%; 12,357 homozygotes.

Submissions (2):

Illumina Laboratory Services, Illumina
Classification: Benign for Weill-Marchesani 4 syndrome, recessive. Last evaluated: 2018-01-12. Review status: criteria provided, single submitter. Criteria: ICSL Variant Classification Criteria 13 December 2019. Collection method: clinical testing. Allele origin: germline.
Comment: This variant was observed in the ICSL laboratory as part of a predisposition screen in an ostensibly healthy population. It had not been previously curated by ICSL or reported in the Human Gene Mutation Database (HGMD: prior to June 1st, 2018), and was therefore a candidate for classification through an automated scoring system. Utilizing variant allele frequency, disease prevalence and penetrance estimates, and inheritance mode, an automated score was calculated to assess if this variant is too frequent to cause the disease. Based on the score and internal cut-off values, a variant classified as benign is not then subjected to further curation. The score for this variant resulted in a classification of benign for this disease.

Breakthrough Genomics
Classification: Benign. Review status: criteria provided, single submitter. Criteria: ACMG Guidelines, 2015. Collection method: not provided. Allele origin: germline. Inheritance: Autosomal recessive inheritance. Affected: yes.